The following is an entry in ClinVar:

NM_005629.4(SLC6A8):c.370T>C (p.Trp124Arg)

Gene: SLC6A8 (solute carrier family 6 member 8; plus strand). Cytogenetic location: Xq28.
Variant type: single nucleotide variant.
Coding change: c.370T>C on transcript NM_005629.4 (MANE Select); coding-DNA position 370, T replaced by C.
Protein change: p.Trp124Arg; replaces tryptophan 124 with arginine.
Molecular consequence: missense variant.
Genome position (GRCh38, 1-based): chrX:153,690,482, T>C. VCF-style: chrX-153690482-T-C. GRCh37 (hg19) VCF-style: chrX-152955937-T-C.
Other names: NM_005629.4(SLC6A8):c.370T>C; p.Trp124Arg; c.370T>C, p.Trp124Arg (NM_001142805.2); c.25T>C, p.Trp9Arg (NM_001142806.1); short protein forms W124R, W9R.
Identifiers: ClinVar variation 2290132 (VCV002290132.3), dbSNP rs2522152479, ClinGen allele CA415077944.

ClinVar aggregate classification (germline): Uncertain significance. Review status: reviewed by expert panel (3 of 4 stars). 2 submissions from 2 submitters: Uncertain significance (1). 1 of the submissions does not count toward it. Last evaluated 2024-03-28.

Conditions:
Creatine transporter deficiency (CCDS1). Also called: CEREBRAL CREATINE DEFICIENCY SYNDROME 1; Creatine Transporter (CRTR) Deficiency; Mental retardation , X-linked with seizures, short stature and midface hypoplasia; Mental retardation , X-linked, with creatine transport deficiency; X-linked creatine transporter deficiency; X-linked creatine deficiency syndrome. Identifiers: Orphanet 52503, MedGen C1845862, MONDO:0010305, OMIM 300352.
Inborn genetic diseases. Identifiers: MedGen C0950123, MeSH D030342.

Submissions (2):

ClinGen Cerebral Creatine Deficiency Syndromes Variant Curation Expert Panel, ClinGen
Classification: Uncertain significance for Creatine transporter deficiency. Last evaluated: 2024-03-28. Review status: reviewed by expert panel. Criteria: ClinGen_CCDS_ACMG_Specifications_SLC6A8_v1.1. Collection method: curation. Allele origin: germline. Inheritance: X-linked inheritance.
Comment: The NM_005629.4:c.370T>C variant in SLC6A8 is a missense variant that is predicted to result in the substitution of tryptophan by arginine at amino acid 124 (p.Trp124Arg). This variant was reported to result in undetectable creatine transport activity when expressed in SLC6A8 deficient fibroblasts. A creatine concentration of 25uM was used, meeting the requirement for the assay to be carried out with less than or equal to 125uM creatine (PMID: 22281021, 23644449) (PS3_Supporting). The variant is absent in gnomAD v2.1.1. (PM2_Supporting). The computational predictor REVEL gives a score of 0.866 which is above the threshold of 0.75, evidence that correlates with impact to SLC6A8 function (PP3). There is a ClinVar entry for this variant (Variation ID: 2290132). In summary, while there is some suspicion for a pathogenic role, this variant currently meets criteria to be classified as a variant of uncertain significance for creatine transporter deficiency. ACMG/AMP-specific SLC6A8-specific criteria applied, as specified by the ClinGen CCDS VCEP (Specifications Version 1.1.0): PS3_Supporting, PM2_Supporting, PP3, PP4. (Classification approved by the ClinGen Cerebral Creatine Deficiency Syndromes Variant Curation Expert Panel on March 28, 2024).

Ambry Genetics
Classification: Uncertain significance for Inborn genetic diseases. Last evaluated: 2022-06-13. Review status: criteria provided, single submitter. Criteria: Ambry Variant Classification Scheme 2023. Collection method: clinical testing. Allele origin: germline. Not counted in ClinVar's aggregate classification.
Comment: The c.370T>C (p.W124R) alteration is located in exon 2 (coding exon 2) of the SLC6A8 gene. This alteration results from a T to C substitution at nucleotide position 370, causing the tryptophan (W) at amino acid position 124 to be replaced by an arginine (R). This variant was not reported in population-based cohorts in the Genome Aggregation Database (gnomAD). This amino acid position is highly conserved in available vertebrate species. This missense alteration is located in a region that has a low rate of benign missense variation (Lek, 2016; Firth, 2009). Functional studies using transfected creatine deficient fibroblasts with the SLC6A8 ORF containing this variant showed that it did not restore creatine uptake to levels comparable to wildtype (Betsalel, 2012). This alteration is predicted to be deleterious by in silico analysis. Based on insufficient or conflicting evidence, the clinical significance of this alteration remains unclear.

Literature cited by the submitters: PubMed 23644449 (cited by ClinGen Cerebral Creatine Deficiency Syndromes Variant Curation Expert Panel, ClinGen); PubMed 22281021 (cited by ClinGen Cerebral Creatine Deficiency Syndromes Variant Curation Expert Panel, ClinGen and Ambry Genetics).